The following is an entry in ClinVar:

NM_000222.3(KIT):c.1018T>G (p.Phe340Val)

Gene: KIT (KIT proto-oncogene, receptor tyrosine kinase; plus strand). Cytogenetic location: 4q12.
Variant type: single nucleotide variant.
Coding change: c.1018T>G on transcript NM_000222.3 (MANE Select); coding-DNA position 1018, T replaced by G.
Protein change: p.Phe340Val; replaces phenylalanine 340 with valine.
Molecular consequence: missense variant.
Genome position (GRCh38, 1-based): chr4:54,707,190, T>G. VCF-style: chr4-54707190-T-G. GRCh37 (hg19) VCF-style: chr4-55573356-T-G.
Other names: c.1018T>G, p.Phe340Val (NM_001093772.2, NM_001385285.1, NM_001385286.1); c.1021T>G, p.Phe341Val (NM_001385284.1, NM_001385288.1, NM_001385290.1 and 1 more transcripts); short protein forms F340V, F341V.
Identifiers: ClinVar variation 3534717 (VCV003534717.1).

ClinVar aggregate classification (germline): Uncertain significance (1 of 4 stars; one submission).

Conditions:
Hereditary cancer-predisposing syndrome. Also called: Hereditary Cancer Syndrome; Hereditary neoplastic syndrome; Tumor predisposition; Neoplastic Syndromes, Hereditary. Identifiers: Orphanet 140162, MedGen C0027672, MeSH D009386, MONDO:0015356.

Submission:

Ambry Genetics
Classification: Uncertain significance for Hereditary cancer-predisposing syndrome. Last evaluated: 2024-10-04. Review status: criteria provided, single submitter. Criteria: Ambry Variant Classification Scheme 2023. Collection method: clinical testing. Allele origin: germline.
Comment: The p.F340V variant (also known as c.1018T>G), located in coding exon 6 of the KIT gene, results from a T to G substitution at nucleotide position 1018. The phenylalanine at codon 340 is replaced by valine, an amino acid with highly similar properties. This amino acid position is conserved. In addition, this alteration is predicted to be tolerated by in silico analysis. Based on the available evidence, the clinical significance of this variant remains unclear.